The following is an entry in ClinVar:

ClinVar aggregate classification (germline): Uncertain significance. Review status: criteria provided, multiple submitters, no conflicts (2 of 4 stars). 2 submissions from 2 submitters: Uncertain significance (2). Last evaluated 2022-07-05.

Conditions:
Centromeric instability of chromosomes 1,9 and 16 and immunodeficiency (ICF1). Also called: Immunodeficiency-centromeric instability-facial anomalies; CENTROMERIC INSTABILITY, IMMUNODEFICIENCY SYNDROME; IMMUNE DEFICIENCY, VARIABLE, WITH CENTROMERIC INSTABILITY OF CHROMOSOMES 1, 9, AND 16; IMMUNODEFICIENCY SYNDROME, VARIABLE. Identifiers: Orphanet 2268, MedGen C0398788, MONDO:0000133.

Allele frequency attached by ClinVar (database versions not stated): gnomAD exomes 0.00001 and 0.00003; ExAC 0.00002; gnomAD 0.00004; TOPMed 0.00006.
gnomAD v4.1: 51 of 1,614,066 alleles (0.0032%); highest among the groups gnomAD compares: Non-Finnish European, 0.0043%; no homozygotes.

Submissions (2):

Labcorp Genetics (formerly Invitae), Labcorp
Classification: Uncertain significance for Centromeric instability of chromosomes 1,9 and 16 and immunodeficiency. Last evaluated: 2022-07-05. Review status: criteria provided, single submitter. Criteria: Invitae Variant Classification Sherloc (09022015). Collection method: clinical testing. Allele origin: germline.
Comment: This sequence change replaces serine, which is neutral and polar, with phenylalanine, which is neutral and non-polar, at codon 56 of the DNMT3B protein (p.Ser56Phe). This variant is present in population databases (rs764811687, gnomAD 0.003%). This variant has not been reported in the literature in individuals affected with DNMT3B-related conditions. ClinVar contains an entry for this variant (Variation ID: 452578). Algorithms developed to predict the effect of missense changes on protein structure and function are either unavailable or do not agree on the potential impact of this missense change (SIFT: "Deleterious"; PolyPhen-2: "Probably Damaging"; Align-GVGD: "Class C15"). In summary, the available evidence is currently insufficient to determine the role of this variant in disease. Therefore, it has been classified as a Variant of Uncertain Significance.

GeneDx
Classification: Uncertain significance. Last evaluated: 2017-10-10. Review status: criteria provided, single submitter. Criteria: GeneDx Variant Classification (06012015). Collection method: clinical testing. Allele origin: germline. Affected: yes.
Comment: The S56F variant in the DNMT3B gene has not been reported previously as a pathogenic variant, nor as a benign variant, to our knowledge. The S56F variant is not observed at a significant frequency in large population cohorts (Lek et al., 2016). The S56F variant is a non-conservative amino acid substitution, which is likely to impact secondary protein structure as these residues differ in polarity, charge, size and/or other properties. This substitution occurs at a position that is conserved in mammals. In silico analysis predicts this variant is probably damaging to the protein structure/function. We interpret S56F as a variant of uncertain significance.

NM_006892.4(DNMT3B):c.167C>T (p.Ser56Phe)

Gene: DNMT3B (DNA methyltransferase 3 beta; plus strand). Cytogenetic location: 20q11.21.
Variant type: single nucleotide variant.
Coding change: c.167C>T on transcript NM_006892.4 (MANE Select); coding-DNA position 167, C replaced by T.
Protein change: p.Ser56Phe; replaces serine 56 with phenylalanine.
Molecular consequence: missense variant.
Genome position (GRCh38, 1-based): chr20:32,781,377, C>T. VCF-style: chr20-32781377-C-T. GRCh37 (hg19) VCF-style: chr20-31369183-C-T.
Other names: c.203C>T, p.Ser68Phe (NM_175850.3); c.167C>T, p.Ser56Phe (NM_001207055.2, NM_001207056.2, NM_175848.2 and 1 more transcripts); short protein forms S56F, S68F.
Identifiers: ClinVar variation 452578 (VCV000452578.7), dbSNP rs764811687, ClinGen allele CA9810080.
Genomic context (GRCh38, chr20:32,781,377, plus strand): 5'-CCCCACAAAACAGACTCCTGGCTGTTTCCTCTACAGGCCGAAGATCAAGCTCGCGACTCT[C>T]CAAGAGGGAGGTGTCCAGTCTGCTAAGCTACACACAGGTATGGTCTCTGCTCTCCCTTTT-3'
Protein context (NP_008823.1, residues 46-66): IRGRRSSSRL[Ser56Phe]KREVSSLLSY